The following is an entry in ClinVar:

ClinVar aggregate classification (germline): Pathogenic. Review status: reviewed by expert panel (3 of 4 stars). 2 submissions from 2 submitters: Pathogenic (1). 1 of the submissions does not count toward it. Last evaluated 2025-10-08.

Conditions:
Deficiency of guanidinoacetate methyltransferase (CCDS2). Also called: GAMT DEFICIENCY; CEREBRAL CREATINE DEFICIENCY SYNDROME 2; Guanidinoacetate Methyltransferase (GAMT) Deficiency. Identifiers: Orphanet 382, MedGen C0574080, MONDO:0012999, OMIM 612736.
Cerebral creatine deficiency syndrome. Also called: Creatine deficiency syndromes. Identifiers: Orphanet 79172, MedGen C5244016, MONDO:0000456.

Submissions (2):

ClinGen Cerebral Creatine Deficiency Syndromes Variant Curation Expert Panel, ClinGen
Classification: Pathogenic for Deficiency of guanidinoacetate methyltransferase. Last evaluated: 2025-10-08. Review status: reviewed by expert panel. Criteria: ClinGen CCDS ACMG Specifications GAMT V2.0.0. Collection method: curation. Allele origin: germline. Inheritance: Autosomal recessive inheritance.
Comment: The NM_000156.6:c.391+1G>C variant in GAMT occurs within the canonical splice donor site of intron 3. Both SpliceAI and varSEAK predict the possible use of a cryptic site 7 bp downstream. If this site is used, or if exon 3 is skipped, this variant is predicted to result in a frameshift leading to nonsense mediated decay in a gene in which loss-of-function is an established disease mechanism (PVS1). This individual is is compound heterozygous for the variant and c.327+43G>A (not yet classified by the CCDS VCEP but predicted to disrupt the donor splice site, SpliceAI score 0.7 for donor loss); the allelic data from this patient may be used in the classification of the second variant and is not included here to avoid circular logic. The phase of the variants is unconfirmed (Malays J Pathol 2022; 44(3): 539 – 562, "Medical Genetics Conference Kuala Lumpur 2022", Abstract GEN33, Mamat et al). This variant is absent from gnomAD v4.1.0.(PM2_Supporting). There is a ClinVar entry for this variant (Variation ID: 664123). In summary, this variant meets the criteria to be classified as pathogenic for GAMT deficiency. GAMT-specific ACMG/AMP criteria applied, as specified by the ClinGen Cerebral Creatine Deficiency Syndromes Variant Curation Expert Panel (Specifications Version 2.0.0): PVS1, PP4, PM2_Supporting. (Classification approved by the ClinGen CCDS VCEP on October 8, 2025).

Labcorp Genetics (formerly Invitae), Labcorp
Classification: Likely pathogenic for Cerebral creatine deficiency syndrome. Last evaluated: 2019-02-07. Review status: criteria provided, single submitter. Criteria: Invitae Variant Classification Sherloc (09022015). Collection method: clinical testing. Allele origin: germline. Not counted in ClinVar's aggregate classification.
Comment: In summary, the currently available evidence indicates that the variant is pathogenic, but additional data are needed to prove that conclusively. Therefore, this variant has been classified as Likely Pathogenic. Donor and acceptor splice site variants typically lead to a loss of protein function (PMID: 16199547), and loss-of-function variants in GAMT are known to be pathogenic (PMID: 15108290). This variant has not been reported in the literature in individuals with GAMT-related disease. This variant is not present in population databases (ExAC no frequency). This sequence change affects a donor splice site in intron 3 of the GAMT gene. It is expected to disrupt RNA splicing and likely results in an absent or disrupted protein product.

Literature cited by the submitters: PubMed 16199547 (cited by Labcorp Genetics (formerly Invitae), Labcorp); PubMed 15108290 (cited by Labcorp Genetics (formerly Invitae), Labcorp).

NM_000156.6(GAMT):c.391+1G>C

Gene: GAMT (guanidinoacetate N-methyltransferase; minus strand). Cytogenetic location: 19p13.3.
Variant type: single nucleotide variant.
Coding change: c.391+1G>C on transcript NM_000156.6 (MANE Select); the canonical splice donor site of the intron after coding-DNA position 391, G replaced by C.
Molecular consequence: splice donor variant.
Genome position (GRCh38, 1-based): chr19:1,399,523, C>G on the plus strand (G>C on the coding strand, the complement: GAMT is on the minus strand). VCF-style: chr19-1399523-C-G. GRCh37 (hg19) VCF-style: chr19-1399522-C-G.
Other names: c.391+1G>C (NM_138924.3).
Identifiers: ClinVar variation 664123 (VCV000664123.11), dbSNP rs1600158894, ClinGen allele CA402995477.